The following is an entry in ClinVar:

ClinVar aggregate classification (germline): Likely pathogenic (1 of 4 stars; one submission).

Conditions:
Familial dysautonomia. Also called: HSAN III; FD. Identifiers: Orphanet 1764, MedGen C0013364, MONDO:0009131, OMIM 223900. Disease mechanism: loss of function.

Submission:

Natera, Inc.
Classification: Likely pathogenic for Familial dysautonomia. Last evaluated: 2024-02-23. Review status: criteria provided, single submitter. Criteria: Natera Variant Classification Schema (03/2026). Collection method: clinical testing. Allele origin: germline.
Comment: The c.1788delT variant in ELP1 is a frameshift variant predicted to shift the reading frame beginning at codon 597 and leads to a stop codon 18 codons downstream. This variant is expected to result in nonsense mediated decay, truncation, or a dysfunctional protein product. This variant is rare in the general population with a frequency below the threshold expected for the associated phenotype(s). Given the available evidence, this variant is classified as Likely Pathogenic.

NM_003640.5(ELP1):c.1788del (p.Gly597fs)

Gene: ELP1 (elongator acetyltransferase complex subunit 1; minus strand). Cytogenetic location: 9q31.3.
Variant type: Deletion.
Coding change: c.1788del on transcript NM_003640.5 (MANE Select); coding-DNA position 1788, one base deleted (T; older notation c.1788delT).
Protein change: p.Gly597fs; shifts the reading frame from glycine 597.
Molecular consequence: frameshift variant.
Genome position (GRCh38, 1-based): chr9:108,902,905, A deleted on the plus strand (T on the coding strand, the reverse complement: ELP1 is on the minus strand). VCF-style (leftmost placement, unchanged base first): chr9-108902904-CA-C. GRCh37 (hg19) VCF-style: chr9-111665184-CA-C.
Other names: c.1446del, p.Gly483fs (NM_001318360.2); c.741del, p.Gly248fs (NM_001330749.2); short protein forms G248fs, G483fs, G597fs.
Identifiers: ClinVar variation 4815180 (VCV004815180.1).